The following is an entry in ClinVar:

NM_013382.7(POMT2):c.1332+6_1332+9del

Gene: POMT2 (protein O-mannosyltransferase 2; minus strand). Cytogenetic location: 14q24.3.
Variant type: Microsatellite.
Coding change: c.1332+6_1332+9del on transcript NM_013382.7 (MANE Select); bases 6 to 9 of the intron after coding-DNA position 1332, 4 bases deleted (TAAG; older notation c.1332+6_1332+9delTAAG).
Molecular consequence: splice donor variant.
Genome position (GRCh38, 1-based): chr14:77,286,735-77,286,738, CTTA deleted on the plus strand (TAAG on the coding strand, the reverse complement: POMT2 is on the minus strand); deleting any 4 consecutive bases within chr14:77,286,735-77,286,744 gives the same sequence; the c. name uses the placement nearest the transcript's 3' end. VCF-style (leftmost placement, unchanged base first): chr14-77286734-GCTTA-G. GRCh37 (hg19) VCF-style: chr14-77753077-GCTTA-G.
Other names: c.1332+6_1332+9delTAAG (NM_013382.5).
Identifiers: ClinVar variation 592360 (VCV000592360.52), dbSNP rs781093215, ClinGen allele CA7285891.
Genomic context (GRCh38, chr14:77,286,734, plus strand): 5'-TCCCACCACACAGCCCTGAGCCAAGGCCCATAACTTTTACGTCCTACTCACATCCCCGTT[GCTTA>G]CTTACTATGCCATAGCCGGTGACCTGATAGTGCTTCCGGGTCATGGGGGCCTCATGATAG-3'

ClinVar aggregate classification (germline): Conflicting classifications of pathogenicity. Review status: criteria provided, conflicting classifications (1 of 4 stars). 6 submissions from 6 submitters: Uncertain significance (5); Likely benign (1). Last evaluated 2026-01-28.

Conditions:
Inborn genetic diseases. Identifiers: MedGen C0950123, MeSH D030342.
Muscular dystrophy-dystroglycanopathy (congenital with brain and eye anomalies), type A2. Also called: WALKER-WARBURG SYNDROME OR MUSCLE-EYE-BRAIN DISEASE, POMT2-RELATED; MUSCULAR DYSTROPHY-DYSTROGLYCANOPATHY (CONGENITAL WITH BRAIN AND EYE ANOMALIES), TYPE A, 2. Identifiers: Orphanet 588, Orphanet 899, MedGen C3150411, MONDO:0013154, OMIM 613150.
Muscular dystrophy-dystroglycanopathy (congenital with impaired intellectual development), type B, 2. Also called: Muscular dystrophy-dystroglycanopathy (congenital with intellectual disability), type B2; MUSCULAR DYSTROPHY, CONGENITAL, POMT2-RELATED. Identifiers: MedGen C3150416, MONDO:0013160, OMIM 613156.
Autosomal recessive limb-girdle muscular dystrophy type 2N. Also called: MUSCULAR DYSTROPHY-DYSTROGLYCANOPATHY, LIMB-GIRDLE, POMT2-RELATED; Muscular dystrophy-dystroglycanopathy (limb-girdle), type C, 2. Identifiers: Orphanet 206559, MedGen C3150418, MONDO:0013162, OMIM 613158.

Submissions (6):

Labcorp Genetics (formerly Invitae), Labcorp
Classification: Likely benign for Muscular dystrophy-dystroglycanopathy (congenital with impaired intellectual development), type B, 2; Muscular dystrophy-dystroglycanopathy (congenital with brain and eye anomalies), type A2; Autosomal recessive limb-girdle muscular dystrophy type 2N. Last evaluated: 2026-01-28. Review status: criteria provided, single submitter. Criteria: Invitae Variant Classification Sherloc (09022015). Collection method: clinical testing. Allele origin: germline.

GeneDx
Classification: Uncertain significance. Last evaluated: 2025-07-01. Review status: criteria provided, single submitter. Criteria: GeneDx Variant Classification Process June 2021. Collection method: clinical testing. Allele origin: germline. Affected: yes.
Comment: Has not been previously published as pathogenic or benign to our knowledge; In silico analysis is inconclusive as to whether the variant alters gene splicing. In the absence of RNA/functional studies, the actual effect of this sequence change is unknown.

Revvity Omics, Revvity
Classification: Uncertain significance. Last evaluated: 2025-02-10. Review status: criteria provided, single submitter. Criteria: ACMG Guidelines, 2015. Collection method: clinical testing. Allele origin: germline.

Ambry Genetics
Classification: Uncertain significance for Inborn genetic diseases. Last evaluated: 2023-11-01. Review status: criteria provided, single submitter. Criteria: Ambry Variant Classification Scheme 2023. Collection method: clinical testing. Allele origin: germline.
Comment: The c.1332+6_1332+9delTAAG alteration is located 6 bp downstream of exon 12 of the POMT2 gene. This alteration consists of a deletion of 4 nucleotides. Based on insufficient or conflicting evidence, the clinical significance of this alteration remains unclear.

CeGaT Center for Human Genetics Tuebingen
Classification: Uncertain significance. Last evaluated: 2022-09-01. Review status: criteria provided, single submitter. Criteria: CeGaT Center For Human Genetics Tuebingen Variant Classification Criteria Version 2. Collection method: clinical testing. Allele origin: germline. Affected: yes. Observed: 2 variant alleles.
Comment: POMT2: PP3

Eurofins Ntd Llc (ga)
Classification: Uncertain significance. Last evaluated: 2018-02-28. Review status: criteria provided, single submitter. Criteria: EGL ClinVar v180209 classification definitions. Collection method: clinical testing. Allele origin: germline. Observed: 4 variant alleles, 2 heterozygotes.